The following is an entry in ClinVar:

NC_000008.10:g.(?_144990345)_(145049537_?)dup

Genes: MIR661 (microRNA 661; minus strand), PLEC (plectin; minus strand). Cytogenetic location: 8q24.3.
Variant type: Duplication.
Identifiers: ClinVar variation 3245520 (VCV003245520.1).

ClinVar aggregate classification (germline): Uncertain significance (1 of 4 stars; one submission).

Conditions:
Epidermolysis bullosa simplex, Ogna type (EBS5A). Also called: Pidermolysis bullosa simplex 5A, Ogna type; EPIDERMOLYSIS BULLOSA SIMPLEX 5A, OGNA TYPE. Identifiers: Orphanet 79401, MedGen C0432317, MONDO:0007555, OMIM 131950.
Epidermolysis bullosa simplex with nail dystrophy (EBS5D). Identifiers: MedGen C4225309, MONDO:0014661, OMIM 616487.
Epidermolysis bullosa simplex 5B, with muscular dystrophy (EBS5B). Also called: Epidermolysis bullosa simplex with muscular dystrophy; EPIDERMOLYSIS BULLOSA SIMPLEX AND LIMB-GIRDLE MUSCULAR DYSTROPHY. Identifiers: Orphanet 257, MedGen C2931072, MONDO:0009181, OMIM 226670.
Epidermolysis bullosa simplex 5C, with pyloric atresia (EBS5C). Also called: PLEC1-Related Epidermolysis Bullosa with Pyloric Atresia; Epidermolysis bullosa simplex with pyloric atresia; PLEC-Related Epidermolysis Bullosa with Pyloric Atresia. Identifiers: Orphanet 158684, MedGen C2677349, MONDO:0012807, OMIM 612138.
Autosomal recessive limb-girdle muscular dystrophy type 2Q (LGMDR17). Also called: MUSCULAR DYSTROPHY, LIMB-GIRDLE, AUTOSOMAL RECESSIVE 17. Identifiers: Orphanet 254361, MedGen C3150989, MONDO:0013390, OMIM 613723.

Submission:

Labcorp Genetics (formerly Invitae), Labcorp
Classification: Uncertain significance for Autosomal recessive limb-girdle muscular dystrophy type 2Q; Epidermolysis bullosa simplex, Ogna type; Epidermolysis bullosa simplex with nail dystrophy; Epidermolysis bullosa simplex 5C, with pyloric atresia; Epidermolysis bullosa simplex 5B, with muscular dystrophy. Last evaluated: 2023-11-27. Review status: criteria provided, single submitter. Criteria: Invitae Variant Classification Sherloc (09022015). Collection method: clinical testing. Allele origin: unknown.
Comment: A copy number gain of the genomic region encompassing the full coding sequence of the PLEC gene has been identified. The boundaries of this event are unknown as they extend beyond the assayed region for this gene and therefore may encompass additional genes. As the precise location of this event is unknown, it may be in tandem or it may be located elsewhere in the genome. This variant has not been reported in the literature in individuals affected with PLEC-related conditions. In summary, the available evidence is currently insufficient to determine the role of this variant in disease. Therefore, it has been classified as a Variant of Uncertain Significance.